The following is an entry in ClinVar:

ClinVar aggregate classification (germline): Likely benign (1 of 4 stars; one submission).

Allele frequency attached by ClinVar (database versions not stated): ESP Exome Variant Server 0.00008; ExAC 0.00030; TOPMed 0.00006; gnomAD exomes 0.00016.
gnomAD v4.1: 87 of 1,612,508 alleles (0.0054%); highest among the groups gnomAD compares: Non-Finnish European, 0.0064%; no homozygotes.

Submission:

GeneDx
Classification: Likely benign. Last evaluated: 2017-08-18. Review status: criteria provided, single submitter. Criteria: GeneDx Variant Classification (06012015). Collection method: clinical testing. Allele origin: germline. Affected: yes.
Comment: This variant is considered likely benign or benign based on one or more of the following criteria: it is a conservative change, it occurs at a poorly conserved position in the protein, it is predicted to be benign by multiple in silico algorithms, and/or has population frequency not consistent with disease.

NM_020774.4(MIB1):c.2050-15A>C

Gene: MIB1 (MIB E3 ubiquitin protein ligase 1; plus strand). Cytogenetic location: 18q11.2.
Variant type: single nucleotide variant.
Coding change: c.2050-15A>C on transcript NM_020774.4 (MANE Select); 15 bases into the intron before coding-DNA position 2050, A replaced by C.
Molecular consequence: intron variant.
Genome position (GRCh38, 1-based): chr18:21,844,077, A>C. VCF-style: chr18-21844077-A-C. GRCh37 (hg19) VCF-style: chr18-19424038-A-C.
Identifiers: ClinVar variation 507271 (VCV000507271.1), dbSNP rs373738054, ClinGen allele CA8908515.
Genomic context (GRCh38, chr18:21,844,077, plus strand): 5'-ACCATTACTTTAGATATGTTGAAGTTTCTTATGGATGTGGACACTTTGCCAAAATGAGAC[A>C]TCTTTCTCTTTTAGCTTTTGGTCCGTGCAGGTGCCAAGCTTGATATTCAGGATAAGGATG-3'